The following is an entry in ClinVar:

ClinVar aggregate classification (germline): Likely benign (1 of 4 stars; one submission).

Submission:

CeGaT Center for Human Genetics Tuebingen
Classification: Likely benign. Last evaluated: 2026-04-01. Review status: criteria provided, single submitter. Criteria: CeGaT Center For Human Genetics Tuebingen Variant Classification Criteria Version 2. Collection method: clinical testing. Allele origin: germline. Affected: yes. Observed: 1 variant allele.
Comment: ADAMTSL2: BS1

NM_014694.4(ADAMTSL2):c.310-117CGGCTGTCC[10]

Gene: ADAMTSL2 (ADAMTS like 2; plus strand). Cytogenetic location: 9q34.2.
Variant type: Microsatellite.
Coding change: c.310-117CGGCTGTCC[10] on transcript NM_014694.4 (MANE Select); ten copies in a row of the 9-base unit CGGCTGTCC starting at c.310-117.
Molecular consequence: intron variant.
Genome position: GRCh38, VCF-style position (the base before the change): chr9:133,539,653. GRCh37 (hg19), VCF-style position (the base before the change): chr9:136,404,775.
Other names: c.310-117CGGCTGTCC[10] (NM_001145320.2).
Identifiers: ClinVar variation 4873458 (VCV004873458.2).